The following is an entry in ClinVar:

ClinVar aggregate classification (germline): Uncertain significance (1 of 4 stars; one submission).

Conditions:
Dilated cardiomyopathy 2B. Identifiers: Orphanet 154, MedGen C3553409, MONDO:0013848, OMIM 614672.

Submission:

Labcorp Genetics (formerly Invitae), Labcorp
Classification: Uncertain significance for Dilated cardiomyopathy 2B. Last evaluated: 2021-06-30. Review status: criteria provided, single submitter. Criteria: Invitae Variant Classification Sherloc (09022015). Collection method: clinical testing. Allele origin: germline.
Comment: This sequence change replaces alanine with serine at codon 49 of the GATAD1 protein (p.Ala49Ser). The alanine residue is weakly conserved and there is a moderate physicochemical difference between alanine and serine. The frequency data for this variant in the population databases is considered unreliable, as metrics indicate insufficient coverage at this position in the ExAC database. This variant has not been reported in the literature in individuals affected with GATAD1-related conditions. Algorithms developed to predict the effect of missense changes on protein structure and function (SIFT, PolyPhen-2, Align-GVGD) all suggest that this variant is likely to be tolerated. In summary, the available evidence is currently insufficient to determine the role of this variant in disease. Therefore, it has been classified as a Variant of Uncertain Significance.

NM_021167.5(GATAD1):c.145G>T (p.Ala49Ser)

Genes: GATAD1 (GATA zinc finger domain containing 1; plus strand), LOC129998793 (ATAC-STARR-seq lymphoblastoid silent region 18371; plus strand). Cytogenetic location: 7q21.2.
Variant type: single nucleotide variant.
Coding change: c.145G>T on transcript NM_021167.5 (MANE Select); coding-DNA position 145, G replaced by T.
Protein change: p.Ala49Ser; replaces alanine 49 with serine.
Molecular consequence: missense variant. On other transcripts: non-coding transcript variant (1).
Genome position (GRCh38, 1-based): chr7:92,447,874, G>T. VCF-style: chr7-92447874-G-T. GRCh37 (hg19) VCF-style: chr7-92077188-G-T.
Other names: short protein forms A49S.
Identifiers: ClinVar variation 1349772 (VCV001349772.8), dbSNP rs2115836818, ClinGen allele CA368155282.